The following is an entry in ClinVar:

NM_138295.5(PKD1L1):c.3664-1G>A

Gene: PKD1L1 (polycystin 1 like 1, transient receptor potential channel interacting; minus strand). Cytogenetic location: 7p12.3.
Variant type: single nucleotide variant.
Coding change: c.3664-1G>A on transcript NM_138295.5 (MANE Select); the canonical splice acceptor site of the intron before coding-DNA position 3664, G replaced by A.
Molecular consequence: splice acceptor variant.
Genome position (GRCh38, 1-based): chr7:47,876,218, C>T on the plus strand (G>A on the coding strand, the complement: PKD1L1 is on the minus strand). VCF-style: chr7-47876218-C-T. GRCh37 (hg19) VCF-style: chr7-47915816-C-T.
Identifiers: ClinVar variation 5007218 (VCV005007218.2).

ClinVar aggregate classification (germline): Likely pathogenic (1 of 4 stars; one submission).

Conditions:
Heterotaxy, visceral, 8, autosomal (HTX8). Identifiers: MONDO:0014967, OMIM 617205, MedGen C4310668.

Submission:

Juno Genomics, Hangzhou Juno Genomics, Inc
Classification: Likely pathogenic for Heterotaxy, visceral, 8, autosomal. Review status: criteria provided, single submitter. Criteria: ACMG Guidelines, 2015. Collection method: clinical testing. Allele origin: germline.
Comment: Null variant in a gene where loss of function (LOF) is a known mechanism of disease.;Absent from controls (or at extremely low frequency if recessive) in Genome Aggregation Database.